The following is an entry in ClinVar:

NM_000138.5(FBN1):c.7801C>T (p.Gln2601Ter)

Gene: FBN1 (fibrillin 1; minus strand). Cytogenetic location: 15q21.1.
Variant type: single nucleotide variant.
Coding change: c.7801C>T on transcript NM_000138.5 (MANE Select); coding-DNA position 7801, C replaced by T.
Protein change: p.Gln2601Ter; replaces glutamine 2601 with a stop codon.
Molecular consequence: nonsense.
Genome position (GRCh38, 1-based): chr15:48,420,705, G>A on the plus strand (C>T on the coding strand, the complement: FBN1 is on the minus strand). VCF-style: chr15-48420705-G-A. GRCh37 (hg19) VCF-style: chr15-48712902-G-A.
Other names: short protein forms Q2601*.
Identifiers: ClinVar variation 657481 (VCV000657481.9), dbSNP rs1597512600, ClinGen allele CA392324478.
Genomic context (GRCh38, chr15:48,420,705, plus strand): 5'-CCTGATAGCCATGCATCTTGAGAGTGAGGAAAAGTTACTTGCCAACACACTGGTTCCACT[G>A]GTAGTGCTGGAGGTAGCCCTGGGGGCAGCTGCACCTGTAGCCCCCAATGATGTTCTGGCA-3'

ClinVar aggregate classification (germline): Pathogenic. Review status: criteria provided, multiple submitters, no conflicts (2 of 4 stars). 2 submissions from 2 submitters: Pathogenic (2). Last evaluated 2024-06-10.

Conditions:
Familial thoracic aortic aneurysm and aortic dissection (TAAD). Also called: Thoracic aortic aneurysms and dissections. Identifiers: Orphanet 91387, MedGen C4707243, MONDO:0019625.
Marfan syndrome (MFS). Also called: FBN1-Related Marfan Syndrome; Marfan syndrome type 1; Marfan's syndrome; Marfan syndrome, classic; MARFAN SYNDROME, TYPE I. Identifiers: Orphanet 284963, Orphanet 558, MedGen C0024796, MONDO:0007947, OMIM 154700.

Submissions (2):

Ambry Genetics
Classification: Pathogenic for Familial thoracic aortic aneurysm and aortic dissection. Last evaluated: 2024-06-10. Review status: criteria provided, single submitter. Criteria: Ambry Variant Classification Scheme 2023. Collection method: clinical testing. Allele origin: germline.
Comment: The p.Q2601* pathogenic mutation (also known as c.7801C>T), located in coding exon 62 of the FBN1 gene, results from a C to T substitution at nucleotide position 7801. This changes the amino acid from a glutamine to a stop codon within coding exon 62. This variant has been reported in individuals with features consistent with Marfan syndrome (Magyar I et al. Hum Mutat, 2009 Sep;30:1355-64; Baumgartner C et al. Methods Inf Med, 2005;44:487-97). This variant is considered to be rare based on population cohorts in the Genome Aggregation Database (gnomAD). In addition to the clinical data presented in the literature, this alteration is expected to result in loss of function by premature protein truncation or nonsense-mediated mRNA decay. As such, this alteration is interpreted as a disease-causing mutation.

Labcorp Genetics (formerly Invitae), Labcorp
Classification: Pathogenic for Marfan syndrome; Familial thoracic aortic aneurysm and aortic dissection. Last evaluated: 2018-08-02. Review status: criteria provided, single submitter. Criteria: Invitae Variant Classification Sherloc (09022015). Collection method: clinical testing. Allele origin: germline.
Comment: This sequence change creates a premature translational stop signal (p.Gln2601*) in the FBN1 gene. It is expected to result in an absent or disrupted protein product. This variant is not present in population databases (ExAC no frequency). This variant has been observed to segregate with Marfan Syndrome in a family (PMID: 16342915). Loss-of-function variants in FBN1 are known to be pathogenic (PMID: 17657824, 19293843). For these reasons, this variant has been classified as Pathogenic.

Literature cited by the submitters: PubMed 16342915 (cited by Ambry Genetics and Labcorp Genetics (formerly Invitae), Labcorp); PubMed 19618372 (cited by Ambry Genetics); PubMed 17657824 (cited by Labcorp Genetics (formerly Invitae), Labcorp); PubMed 19293843 (cited by Labcorp Genetics (formerly Invitae), Labcorp).